The following is an entry in ClinVar:

ClinVar aggregate classification (germline): Uncertain significance. Review status: criteria provided, multiple submitters, no conflicts (2 of 4 stars). 2 submissions from 2 submitters: Uncertain significance (2). Last evaluated 2025-04-23.

Conditions:
Hereditary cancer-predisposing syndrome. Also called: Hereditary neoplastic syndrome; Hereditary Cancer Syndrome; Tumor predisposition; Neoplastic Syndromes, Hereditary. Identifiers: Orphanet 140162, MedGen C0027672, MeSH D009386, MONDO:0015356.

Allele frequency attached by ClinVar (database versions not stated): gnomAD exomes 0.00001.
gnomAD v4.1: 7 of 1,611,702 alleles (0.00043%); highest among the groups gnomAD compares: East Asian, 0.016%; no homozygotes.

Submissions (2):

Labcorp Genetics (formerly Invitae), Labcorp
Classification: Uncertain significance. Last evaluated: 2025-04-23. Review status: criteria provided, single submitter. Criteria: Invitae Variant Classification Sherloc (09022015). Collection method: clinical testing. Allele origin: germline.
Comment: This sequence change replaces aspartic acid, which is acidic and polar, with valine, which is neutral and non-polar, at codon 1700 of the POLE protein (p.Asp1700Val). This variant is not present in population databases (gnomAD no frequency). This variant has not been reported in the literature in individuals affected with POLE-related conditions. ClinVar contains an entry for this variant (Variation ID: 1519618). Invitae Evidence Modeling of protein sequence and biophysical properties (such as structural, functional, and spatial information, amino acid conservation, physicochemical variation, residue mobility, and thermodynamic stability) indicates that this missense variant is not expected to disrupt POLE protein function with a negative predictive value of 80%. In summary, the available evidence is currently insufficient to determine the role of this variant in disease. Therefore, it has been classified as a Variant of Uncertain Significance.

Ambry Genetics
Classification: Uncertain significance for Hereditary cancer-predisposing syndrome. Last evaluated: 2022-02-22. Review status: criteria provided, single submitter. Criteria: Ambry Variant Classification Scheme 2023. Collection method: clinical testing. Allele origin: germline.
Comment: The p.D1700V variant (also known as c.5099A>T), located in coding exon 38 of the POLE gene, results from an A to T substitution at nucleotide position 5099. The aspartic acid at codon 1700 is replaced by valine, an amino acid with highly dissimilar properties. This amino acid position is conserved. In addition, this alteration is predicted to be deleterious by in silico analysis. Since supporting evidence is limited at this time, the clinical significance of this alteration remains unclear.

NM_006231.4(POLE):c.5099A>T (p.Asp1700Val)

Gene: POLE (DNA polymerase epsilon, catalytic subunit; minus strand). Cytogenetic location: 12q24.33.
Variant type: single nucleotide variant.
Coding change: c.5099A>T on transcript NM_006231.4 (MANE Select); coding-DNA position 5099, A replaced by T.
Protein change: p.Asp1700Val; replaces aspartic acid 1700 with valine.
Molecular consequence: missense variant.
Genome position (GRCh38, 1-based): chr12:132,642,251, T>A on the plus strand (A>T on the coding strand, the complement: POLE is on the minus strand). VCF-style: chr12-132642251-T-A. GRCh37 (hg19) VCF-style: chr12-133218837-T-A.
Other names: short protein forms D1700V.
Identifiers: ClinVar variation 1519618 (VCV001519618.8), dbSNP rs2042162064, ClinGen allele CA387376923.